The following is an entry in ClinVar:

NM_001267550.2(TTN):c.13105G>A (p.Val4369Met)

Gene: TTN (titin; minus strand). Cytogenetic location: 2q31.2.
Variant type: single nucleotide variant.
Coding change: c.13105G>A on transcript NM_001267550.2 (MANE Select); coding-DNA position 13105, G replaced by A.
Protein change: p.Val4369Met; replaces valine 4369 with methionine.
Molecular consequence: missense variant. On other transcripts: intron variant (1).
Genome position (GRCh38, 1-based): chr2:178,740,128, C>T on the plus strand (G>A on the coding strand, the complement: TTN is on the minus strand). VCF-style: chr2-178740128-C-T. GRCh37 (hg19) VCF-style: chr2-179604855-C-T.
Other names: c.12154G>A, p.Val4052Met (NM_001256850.1); c.12016G>A, p.Val4006Met (NM_003319.4); c.12391G>A, p.Val4131Met (NM_133432.3); c.12592G>A, p.Val4198Met (NM_133437.4); c.10361-1768G>A (NM_133378.4); short protein forms V4052M, V4369M, V4131M, V4198M, V4006M.
Identifiers: ClinVar variation 4958679 (VCV004958679.2).

ClinVar aggregate classification (germline): Conflicting classifications of pathogenicity. Review status: criteria provided, conflicting classifications (1 of 4 stars). 2 submissions from 2 submitters: Uncertain significance (1); Likely benign (1). Last evaluated 2026-01-20.

Conditions:
TTN-related disorder. Also called: TTN-related disorders; TTN-related condition; TTN-related disease.

gnomAD v4.1: 5 of 1,613,744 alleles (0.00031%); highest among the groups gnomAD compares: East Asian, 0.0022%; no homozygotes.

Submissions (2):

PreventionGenetics, part of Exact Sciences
Classification: Uncertain significance for TTN-related condition. Last evaluated: 2026-01-20. Review status: criteria provided, single submitter. Criteria: ACMG Guidelines, 2015. Collection method: clinical testing. Allele origin: germline.
Comment: The TTN c.13105G>A variant is predicted to result in the amino acid substitution p.Val4369Met. To our knowledge, this variant has not been reported in the literature. This variant is reported in 0.0051% of alleles in individuals of East Asian descent in gnomAD. At this time, the clinical significance of this variant is uncertain due to the absence of conclusive functional and genetic evidence.

Blueprint Genetics
Classification: Likely benign. Last evaluated: 2022-03-29. Review status: criteria provided, single submitter. Criteria: ACMG Guidelines, 2015. Collection method: clinical testing. Allele origin: germline.